The following is an entry in ClinVar:

NM_001384140.1(PCDH15):c.4202+225C>T

Gene: PCDH15 (protocadherin related 15; minus strand). Cytogenetic location: 10q21.1.
Variant type: single nucleotide variant.
Coding change: c.4202+225C>T on transcript NM_001384140.1 (MANE Select); 225 bases into the intron after coding-DNA position 4202, C replaced by T.
Molecular consequence: intron variant.
Genome position (GRCh38, 1-based): chr10:53,831,090, G>A on the plus strand (C>T on the coding strand, the complement: PCDH15 is on the minus strand). VCF-style: chr10-53831090-G-A. GRCh37 (hg19) VCF-style: chr10-55590850-G-A.
Other names: c.4202+225C>T (NM_001354420.2, NM_001354429.2, NM_001142772.2 and 4 more transcripts); c.4217+225C>T (NM_001142771.2, NM_001142763.2); c.4223+225C>T (NM_001354411.2); c.4238+225C>T (NM_001142769.3); c.4136+225C>T (NM_001354404.2, NM_001142773.2, NM_001142768.2); c.4091+225C>T (NM_001142767.2); c.3989+225C>T (NM_001142765.2).
Identifiers: ClinVar variation 678867 (VCV000678867.2), dbSNP rs10825117, ClinGen allele CA13280265.

ClinVar aggregate classification (germline): Benign. Review status: criteria provided, multiple submitters, no conflicts (2 of 4 stars). 2 submissions from 2 submitters: Benign (2). Last evaluated 2018-06-14.

Allele frequency attached by ClinVar (database versions not stated): TOPMed 0.38085; gnomAD exomes 0.42967; gnomAD 0.37456 and 0.38326; 1000 Genomes Project 0.44050; 1000 Genomes Project 30x 0.43082.
gnomAD v4.1: 312,743 of 746,474 alleles (42%); highest among the groups gnomAD compares: East Asian, 79%; 69,650 homozygotes.

Submissions (2):

GeneDx
Classification: Benign. Last evaluated: 2018-06-14. Review status: criteria provided, single submitter. Criteria: GeneDx Variant Classification (06012015). Collection method: clinical testing. Allele origin: germline. Affected: yes.
Comment: This variant is considered likely benign or benign based on one or more of the following criteria: it is a conservative change, it occurs at a poorly conserved position in the protein, it is predicted to be benign by multiple in silico algorithms, and/or has population frequency not consistent with disease.

Breakthrough Genomics
Classification: Benign. Review status: criteria provided, single submitter. Criteria: ACMG Guidelines, 2015. Collection method: not provided. Allele origin: germline. Inheritance: Autosomal recessive inheritance. Affected: yes.